The following is an entry in ClinVar:

NM_018055.5(NODAL):c.661C>T (p.Arg221Trp)

Gene: NODAL (nodal growth differentiation factor; minus strand). Cytogenetic location: 10q22.1.
Variant type: single nucleotide variant.
Coding change: c.661C>T on transcript NM_018055.5 (MANE Select); coding-DNA position 661, C replaced by T.
Protein change: p.Arg221Trp; replaces arginine 221 with tryptophan.
Molecular consequence: missense variant.
Genome position (GRCh38, 1-based): chr10:70,435,516, G>A on the plus strand (C>T on the coding strand, the complement: NODAL is on the minus strand). VCF-style: chr10-70435516-G-A. GRCh37 (hg19) VCF-style: chr10-72195272-G-A.
Other names: c.262C>T, p.Arg88Trp (NM_001329906.2); short protein forms R88W, R221W.
Identifiers: ClinVar variation 841318 (VCV000841318.12), dbSNP rs144444359, ClinGen allele CA5537554.
Genomic context (GRCh38, chr10:70,435,516, plus strand): 5'-GCAAGTGATGTCGACGGTGCCTCTTGCCCCACTCCCAGGACAGCTGTCCCTCCTGGGCCC[G>A]CCAGGAGCTCTCGGCTTCCCACAGCAAGGTGGACCCACCCAGCTGCCTCTGCTCCTGCGA-3'
Protein context (NP_060525.3, residues 211-231): TLLWEAESSW[Arg221Trp]AQEGQLSWEW

ClinVar aggregate classification (germline): Uncertain significance. Review status: criteria provided, multiple submitters, no conflicts (2 of 4 stars). 2 submissions from 2 submitters: Uncertain significance (2). Last evaluated 2025-12-08.

Conditions:
Inborn genetic diseases. Identifiers: MedGen C0950123, MeSH D030342.
Heterotaxy, visceral, 5, autosomal (HTX5). Also called: Heterotaxy, visceral, 5. Identifiers: Orphanet 450, MedGen C3495537, MONDO:0700112, OMIM 270100.

Allele frequency attached by ClinVar (database versions not stated): gnomAD 0.00001.
gnomAD v4.1: 8 of 1,613,884 alleles (0.0005%); highest among the groups gnomAD compares: Non-Finnish European, 0.00059%; no homozygotes.

Submissions (2):

Ambry Genetics
Classification: Uncertain significance for Inborn genetic diseases. Last evaluated: 2025-12-08. Review status: criteria provided, single submitter. Criteria: Ambry Variant Classification Scheme 2023. Collection method: clinical testing. Allele origin: germline.

Labcorp Genetics (formerly Invitae), Labcorp
Classification: Uncertain significance for Heterotaxy, visceral, 5, autosomal. Last evaluated: 2022-02-08. Review status: criteria provided, single submitter. Criteria: Invitae Variant Classification Sherloc (09022015). Collection method: clinical testing. Allele origin: germline.
Comment: This variant is present in population databases (rs144444359, gnomAD 0.003%). This sequence change replaces arginine, which is basic and polar, with tryptophan, which is neutral and slightly polar, at codon 221 of the NODAL protein (p.Arg221Trp). In summary, the available evidence is currently insufficient to determine the role of this variant in disease. Therefore, it has been classified as a Variant of Uncertain Significance. Algorithms developed to predict the effect of sequence changes on RNA splicing suggest that this variant may create or strengthen a splice site. Algorithms developed to predict the effect of missense changes on protein structure and function are either unavailable or do not agree on the potential impact of this missense change (SIFT: "Deleterious"; PolyPhen-2: "Benign"; Align-GVGD: "Class C0"). ClinVar contains an entry for this variant (Variation ID: 841318). This variant has not been reported in the literature in individuals affected with NODAL-related conditions.